The following is an entry in ClinVar:

ClinVar aggregate classification (germline): Uncertain significance (1 of 4 stars; one submission).

Conditions:
3-methylglutaconic aciduria with deafness, encephalopathy, and Leigh-like syndrome (MEGDEL). Also called: 3-METHYLGLUTACONIC ACIDURIA, TYPE VI; MEGDEL syndrome; SERAC1 Deficiency. Identifiers: Orphanet 352328, MedGen C4040739, MONDO:0013875, OMIM 614739.

gnomAD v4.1: 1 of 1,613,884 alleles (0.000062%); highest among the groups gnomAD compares: East Asian, 0.0022%; no homozygotes.

Submission:

Labcorp Genetics (formerly Invitae), Labcorp
Classification: Uncertain significance for 3-methylglutaconic aciduria with deafness, encephalopathy, and Leigh-like syndrome. Last evaluated: 2025-03-05. Review status: criteria provided, single submitter. Criteria: Invitae Variant Classification Sherloc (09022015). Collection method: clinical testing. Allele origin: germline.
Comment: This sequence change replaces cysteine, which is neutral and slightly polar, with phenylalanine, which is neutral and non-polar, at codon 443 of the SERAC1 protein (p.Cys443Phe). This variant is present in population databases (no rsID available, gnomAD 0.006%). This variant has not been reported in the literature in individuals affected with SERAC1-related conditions. Invitae Evidence Modeling of protein sequence and biophysical properties (such as structural, functional, and spatial information, amino acid conservation, physicochemical variation, residue mobility, and thermodynamic stability) indicates that this missense variant is not expected to disrupt SERAC1 protein function with a negative predictive value of 80%. In summary, the available evidence is currently insufficient to determine the role of this variant in disease. Therefore, it has been classified as a Variant of Uncertain Significance.

NM_032861.4(SERAC1):c.1328G>T (p.Cys443Phe)

Gene: SERAC1 (serine active site containing 1; minus strand). Cytogenetic location: 6q25.3.
Variant type: single nucleotide variant.
Coding change: c.1328G>T on transcript NM_032861.4 (MANE Select); coding-DNA position 1328, G replaced by T.
Protein change: p.Cys443Phe; replaces cysteine 443 with phenylalanine.
Molecular consequence: missense variant.
Genome position (GRCh38, 1-based): chr6:158,117,802, C>A on the plus strand (G>T on the coding strand, the complement: SERAC1 is on the minus strand). VCF-style: chr6-158117802-C-A. GRCh37 (hg19) VCF-style: chr6-158538834-C-A.
Other names: short protein forms C443F.
Identifiers: ClinVar variation 4699104 (VCV004699104.1).
Genomic context (GRCh38, chr6:158,117,802, plus strand): 5'-CTTGCTCTCCAGTCGCTGAGGCTGGTGTCATACTCCACAGATATAATTCGGAGAGCAGGA[C>A]AGTCTTTTGCTAACCATGTCTAAGTAAAATAAAACATATGTGAGAACAAGTATGAATCTT-3'
Protein context (NP_116250.3, residues 433-453): CWPKTWLAKD[Cys443Phe]PALRIISVEY